The following is an entry in ClinVar:

NM_000891.3(KCNJ2):c.1206G>T (p.Thr402=)

Gene: KCNJ2 (potassium inwardly rectifying channel subfamily J member 2; plus strand). Cytogenetic location: 17q24.3.
Variant type: single nucleotide variant.
Coding change: c.1206G>T on transcript NM_000891.3 (MANE Select); coding-DNA position 1206, G replaced by T.
Protein change: p.Thr402=; no amino-acid change (threonine 402 retained).
Molecular consequence: synonymous variant.
Genome position (GRCh38, 1-based): chr17:70,176,245, G>T. VCF-style: chr17-70176245-G-T. GRCh37 (hg19) VCF-style: chr17-68172386-G-T.
Identifiers: ClinVar variation 510047 (VCV000510047.11), dbSNP rs1279223538, ClinGen allele CA501700667.

ClinVar aggregate classification (germline): Likely benign. Review status: criteria provided, multiple submitters, no conflicts (2 of 4 stars). 3 submissions from 3 submitters: Likely benign (3). Last evaluated 2024-04-30.

Conditions:
Andersen Tawil syndrome (LQT7). Also called: ANDERSEN CARDIODYSRHYTHMIC PERIODIC PARALYSIS; Potassium-sensitive periodic paralysis, ventricular ectopy, and dysmorphic features; LONG QT SYNDROME 7; PERIODIC PARALYSIS, POTASSIUM-SENSITIVE CARDIODYSRHYTHMIC TYPE; Andersen Syndrome. Identifiers: Orphanet 37553, MedGen C1563715, MONDO:0008222, OMIM 170390.
Short QT syndrome type 3. Identifiers: Orphanet 51083, MedGen C1865018, MONDO:0012314, OMIM 609622.
Cardiovascular phenotype. Identifiers: MedGen CN230736.

gnomAD v4.1: 6 of 1,614,002 alleles (0.00037%); highest among the groups gnomAD compares: Non-Finnish European, 0.00042%; no homozygotes.

Submissions (3):

Labcorp Genetics (formerly Invitae), Labcorp
Classification: Likely benign for Short QT syndrome type 3; Andersen Tawil syndrome. Last evaluated: 2024-04-30. Review status: criteria provided, single submitter. Criteria: Invitae Variant Classification Sherloc (09022015). Collection method: clinical testing. Allele origin: germline.

Ambry Genetics
Classification: Likely benign for Cardiovascular phenotype. Last evaluated: 2022-05-24. Review status: criteria provided, single submitter. Criteria: Ambry Variant Classification Scheme 2023. Collection method: clinical testing. Allele origin: germline.

GeneDx
Classification: Likely benign. Last evaluated: 2017-06-07. Review status: criteria provided, single submitter. Criteria: GeneDx Variant Classification (06012015). Collection method: clinical testing. Allele origin: germline. Affected: yes.
Comment: This variant is considered likely benign or benign based on one or more of the following criteria: it is a conservative change, it occurs at a poorly conserved position in the protein, it is predicted to be benign by multiple in silico algorithms, and/or has population frequency not consistent with disease.